The following is an entry in ClinVar:

ClinVar aggregate classification (germline): Uncertain significance (1 of 4 stars; one submission).

Allele frequency attached by ClinVar (database versions not stated): TOPMed below 0.00001; gnomAD 0.00001; gnomAD exomes 0.00001.
gnomAD v4.1: 13 of 1,614,116 alleles (0.00081%); highest among the groups gnomAD compares: African/African-American, 0.0013%; no homozygotes.

Submission:

Ambry Genetics
Classification: Uncertain significance. Last evaluated: 2024-02-24. Review status: criteria provided, single submitter. Criteria: Ambry Variant Classification Scheme 2023. Collection method: clinical testing. Allele origin: germline.
Comment: The p.G1304S variant (also known as c.3910G>A), located in coding exon 30 of the A2ML1 gene, results from a G to A substitution at nucleotide position 3910. The glycine at codon 1304 is replaced by serine, an amino acid with similar properties. This amino acid position is conserved. In addition, the in silico prediction for this alteration is inconclusive. Based on the available evidence, the clinical significance of this alteration remains unclear.

NM_144670.6(A2ML1):c.3910G>A (p.Gly1304Ser)

Gene: A2ML1 (alpha-2-macroglobulin like 1; plus strand). Cytogenetic location: 12p13.31.
Variant type: single nucleotide variant.
Coding change: c.3910G>A on transcript NM_144670.6 (MANE Select); coding-DNA position 3910, G replaced by A.
Protein change: p.Gly1304Ser; replaces glycine 1304 with serine.
Molecular consequence: missense variant.
Genome position (GRCh38, 1-based): chr12:8,868,034, G>A. VCF-style: chr12-8868034-G-A. GRCh37 (hg19) VCF-style: chr12-9020630-G-A.
Other names: c.2437G>A, p.Gly813Ser (NM_001282424.3); short protein forms G1304S, G813S.
Identifiers: ClinVar variation 3229210 (VCV003229210.1), dbSNP rs1203697261, ClinGen allele CA383844329.